The following is an entry in ClinVar:

ClinVar aggregate classification (germline): Conflicting classifications of pathogenicity. Review status: criteria provided, conflicting classifications (1 of 4 stars). 10 submissions from 10 submitters: Uncertain significance (4); Likely benign (5). 1 of the submissions does not count toward it. Last evaluated 2026-01-19.

Conditions:
Tuberous sclerosis 2 (TSC2). Identifiers: Orphanet 805, MedGen C1860707, MONDO:0013199, OMIM 613254.
Hereditary cancer-predisposing syndrome. Also called: Neoplastic Syndromes, Hereditary; Tumor predisposition; Hereditary Cancer Syndrome; Hereditary neoplastic syndrome. Identifiers: Orphanet 140162, MedGen C0027672, MeSH D009386, MONDO:0015356.
Tuberous sclerosis syndrome (TSC). Also called: Tuberous Sclerosis Complex; Tuberous sclerosis. Identifiers: Orphanet 805, MedGen C0041341, MONDO:0001734.

Allele frequency attached by ClinVar (database versions not stated): gnomAD exomes 0.00004; TOPMed 0.00001; gnomAD 0.00002 and 0.00003; ExAC 0.00003.
gnomAD v4.1: 32 of 1,612,970 alleles (0.002%); highest among the groups gnomAD compares: East Asian, 0.013%; no homozygotes.

Submissions (10):

Labcorp Genetics (formerly Invitae), Labcorp
Classification: Likely benign for Tuberous sclerosis 2. Last evaluated: 2026-01-19. Review status: criteria provided, single submitter. Criteria: Invitae Variant Classification Sherloc (09022015). Collection method: clinical testing. Allele origin: germline.

Myriad Genetics, Inc.
Classification: Likely benign for Tuberous sclerosis 2. Last evaluated: 2025-05-20. Review status: criteria provided, single submitter. Criteria: Myriad Autosomal Dominant, Autosomal Recessive and X-Linked Classification Criteria (2023). Collection method: clinical testing. Allele origin: unknown.
Comment: This variant is considered likely benign. This variant has been observed at a population frequency that is significantly greater than expected given the associated disease prevalence and penetrance.

All of Us Research Program, National Institutes of Health
Classification: Uncertain significance for Tuberous sclerosis syndrome. Last evaluated: 2024-07-10. Review status: criteria provided, single submitter. Criteria: ACMG Guidelines, 2015. Collection method: clinical testing. Allele origin: germline. Inheritance: Autosomal dominant inheritance. Observed: 5 variant alleles, 5 heterozygotes.
Comment: This missense variant replaces alanine with valine at codon 862 of the TSC2 protein. Computational prediction is inconclusive regarding the impact of this variant on protein structure and function (internally defined REVEL score threshold 0.5 < inconclusive < 0.7, PMID: 27666373). To our knowledge, functional studies have not been reported for this variant. This variant has not been reported in individuals affected with tuberous sclerosis complex in the literature, but has been seen in healthy individuals (PMID: 15024740). This variant has been identified in 11/281964 chromosomes in the general population by the Genome Aggregation Database (gnomAD). The available evidence is insufficient to determine the role of this variant in disease conclusively. Therefore, this variant is classified as a Variant of Uncertain Significance.

This study involves interpretation of variants in research participants for the purpose of population health screening. Participant phenotype was not available at the time of variant classification. Additional details can be found in publication PMID: 35346344, PMCID: PMC8962531

Color Diagnostics, LLC DBA Color Health
Classification: Uncertain significance for Tuberous sclerosis syndrome. Last evaluated: 2024-06-20. Review status: criteria provided, single submitter. Criteria: ACMG Guidelines, 2015. Collection method: clinical testing. Allele origin: germline.
Comment: This missense variant replaces alanine with valine at codon 862 of the TSC2 protein. Computational prediction is inconclusive regarding the impact of this variant on protein structure and function. To our knowledge, functional studies have not been reported for this variant. This variant has not been reported in individuals affected with tuberous sclerosis complex in the literature, but has been seen in healthy individuals (PMID: 15024740). This variant has been identified in 11/281964 chromosomes in the general population by the Genome Aggregation Database (gnomAD). The available evidence is insufficient to determine the role of this variant in disease conclusively. Therefore, this variant is classified as a Variant of Uncertain Significance.

Sema4
Classification: Uncertain significance for Hereditary cancer-predisposing syndrome. Last evaluated: 2021-11-22. Review status: criteria provided, single submitter. Criteria: Sema4 Curation Guidelines. Collection method: curation. Allele origin: germline.
Comment: The TSC2 c.2585C>T(p.A862V) variant has been reported in one individual with breast cancer (PMID:30093976). Also, it was observed in one individual in control group from a TSC2 study (PMID: 15024740). It was observed in 8/128482 chromosomes of the Non-Finnish European subpopulation, in the large and broad cohorts of the Genome Aggregation Database (PMID: 32461654). The variant has been reported in ClinVar (Variation ID 50078). Functional studies have not been performed, and in silico predictions of the variant's effect on protein function are inconclusive. The evidence is insufficient to meet ACMG/AMP criteria for classifying the variant as benign or pathogenic. Thus, the clinical significance of this variant is currently uncertain.

Genome-Nilou Lab
Classification: Likely benign for Tuberous sclerosis 2. Last evaluated: 2021-11-07. Review status: criteria provided, single submitter. Criteria: ACMG Guidelines, 2015. Collection method: clinical testing. Allele origin: germline. Affected: no.

Ambry Genetics
Classification: Likely benign for Hereditary cancer-predisposing syndrome. Last evaluated: 2021-06-11. Review status: criteria provided, single submitter. Criteria: Ambry Variant Classification Scheme 2023. Collection method: clinical testing. Allele origin: germline.

Division of Genomic Medicine, Department of Advanced Medicine, Medical Research Institute, Kanazawa Medical University
Classification: Uncertain significance for Tuberous sclerosis 2. Last evaluated: 2020-07-10. Review status: criteria provided, single submitter. Criteria: ACMG Guidelines, 2015. Collection method: clinical testing. Allele origin: germline. Affected: yes. Observed: 1 variant allele.

GeneDx
Classification: Likely benign. Last evaluated: 2017-05-15. Review status: criteria provided, single submitter. Criteria: GeneDx Variant Classification (06012015). Collection method: clinical testing. Allele origin: germline. Affected: yes.
Comment: This variant is considered likely benign or benign based on one or more of the following criteria: it is a conservative change, it occurs at a poorly conserved position in the protein, it is predicted to be benign by multiple in silico algorithms, and/or has population frequency not consistent with disease.

Tuberous sclerosis database (TSC2)
No classification provided. Condition: TSC. Review status: no classification provided. Criteria: Tuberous Sclerosis Database Assertion Criteria 2015. Collection method: curation. Allele origin: germline. Affected: no. Not counted in ClinVar's aggregate classification.

Literature cited by the submitters: PubMed 15024740 (cited by 4 submitters); PubMed 30093976 (cited by Sema4 and Ambry Genetics); PubMed 23514105 (cited by Ambry Genetics).

NM_000548.5(TSC2):c.2585C>T (p.Ala862Val)

Gene: TSC2 (TSC complex subunit 2; plus strand). Cytogenetic location: 16p13.3.
Variant type: single nucleotide variant.
Coding change: c.2585C>T on transcript NM_000548.5 (MANE Select); coding-DNA position 2585, C replaced by T.
Protein change: p.Ala862Val; replaces alanine 862 with valine.
Molecular consequence: missense variant.
Genome position (GRCh38, 1-based): chr16:2,075,838, C>T. VCF-style: chr16-2075838-C-T. GRCh37 (hg19) VCF-style: chr16-2125839-C-T.
Other names: c.2585C>T, p.Ala862Val (NM_001077183.3, NM_001114382.3, NM_001363528.2 and 3 more transcripts); c.2474C>T, p.Ala825Val (NM_001318827.2); c.2438C>T, p.Ala813Val (NM_001318829.2); c.1985C>T, p.Ala662Val (NM_001318831.2); c.2618C>T, p.Ala873Val (NM_001318832.2); short protein forms A862V, A662V, A825V, A813V, A873V.
Identifiers: ClinVar variation 50078 (VCV000050078.31), dbSNP rs45517249, ClinGen allele CA017697.